The following is an entry in ClinVar:

ClinVar aggregate classification (germline): Conflicting classifications of pathogenicity. Review status: criteria provided, conflicting classifications (1 of 4 stars). 25 submissions from 21 submitters: Uncertain significance (3); Benign (4); Likely benign (12). 6 of the submissions do not count toward it. Last evaluated 2026-05-01.

Conditions:
Dilated cardiomyopathy 1G (CMD1G). Identifiers: Orphanet 154, MedGen C1858763, MONDO:0011400, OMIM 604145.
Autosomal recessive limb-girdle muscular dystrophy type 2J (LGMDR10). Also called: Limb-girdle muscular dystrophy, type 2J; MUSCULAR DYSTROPHY, LIMB-GIRDLE, AUTOSOMAL RECESSIVE 10. Identifiers: Orphanet 140922, MedGen C1837342, MONDO:0012127, OMIM 608807.
Cardiomyopathy (CMYO). Also called: Cardiomyopathies. Identifiers: Orphanet 167848, MedGen C0878544, MONDO:0004994, HP:0001638. Inheritance: Various modes of inheritance.
Early-onset myopathy with fatal cardiomyopathy (CMYO5). Also called: Salih Myopathy; CONGENITAL MYOPATHY 5 WITH CARDIOMYOPATHY. Identifiers: Orphanet 289377, MedGen C2673677, MONDO:0012714, OMIM 611705. Disease mechanism: loss of function.
Myopathy, myofibrillar, 9, with early respiratory failure (MFM9). Also called: Hereditary myopathy with early respiratory failure; Myopathy, distal, with early respiratory failure, autosomal dominant; EDSTROM MYOPATHY; MYOPATHY, PROXIMAL, WITH EARLY RESPIRATORY MUSCLE INVOLVEMENT. Identifiers: Orphanet 178464, Orphanet 34521, MedGen C1863599, MONDO:0011362, OMIM 603689.
Tibial muscular dystrophy (TMD). Also called: Udd Distal Myopathy – Tibial Muscular Dystrophy; Tibial muscular dystrophy, tardive; UDD MYOPATHY. Identifiers: Orphanet 609, MedGen C1838244, MONDO:0010870, OMIM 600334.

Allele frequency attached by ClinVar (database versions not stated): 1000 Genomes Project 0.00040; 1000 Genomes Project 30x 0.00047; gnomAD exomes 0.00170 and 0.00285; gnomAD 0.00176 and 0.00206; TOPMed 0.00210; ESP Exome Variant Server 0.00215; ExAC 0.00232.
gnomAD v4.1: 4,289 of 1,560,098 alleles (0.27%); highest among the groups gnomAD compares: Non-Finnish European, 0.34%; 11 homozygotes.

Submissions (25):

CeGaT Center for Human Genetics Tuebingen
Classification: Likely benign. Last evaluated: 2026-05-01. Review status: criteria provided, single submitter. Criteria: CeGaT Center For Human Genetics Tuebingen Variant Classification Criteria Version 2. Collection method: clinical testing. Allele origin: germline. Affected: yes. Observed: 44 variant alleles.
Comment: TTN: BS2

Labcorp Genetics (formerly Invitae), Labcorp
Classification: Likely benign for Dilated cardiomyopathy 1G; Autosomal recessive limb-girdle muscular dystrophy type 2J. Last evaluated: 2026-02-04. Review status: criteria provided, single submitter. Criteria: Invitae Variant Classification Sherloc (09022015). Collection method: clinical testing. Allele origin: germline.

Mayo Clinic Laboratories, Mayo Clinic
Classification: Benign. Last evaluated: 2025-07-31. Review status: criteria provided, single submitter. Criteria: ACMG Guidelines, 2015. Collection method: clinical testing. Allele origin: germline. Observed: 10 variant alleles.
Comment: BS1, BS2, BP1, BP4

Molecular Diagnostic Laboratory for Inherited Cardiovascular Disease, Montreal Heart Institute
Classification: Likely benign. Last evaluated: 2025-04-09. Review status: criteria provided, single submitter. Criteria: ACMG Guidelines, 2015. Collection method: clinical testing. Allele origin: germline. Affected: no.

Athena Diagnostics
Classification: Likely benign. Last evaluated: 2025-04-03. Review status: criteria provided, single submitter. Criteria: Athena Diagnostics Criteria. Collection method: clinical testing. Allele origin: unknown.
Comment: The frequency of this variant in the general population is higher than would generally be expected for pathogenic variants in this gene.

Blueprint Genetics
Classification: Likely benign. Last evaluated: 2024-11-19. Review status: criteria provided, single submitter. Criteria: ACMG Guidelines, 2015. Collection method: clinical testing. Allele origin: germline.

ARUP Laboratories, Molecular Genetics and Genomics, ARUP Laboratories
Classification: Likely benign. Last evaluated: 2023-03-02. Review status: criteria provided, single submitter. Criteria: ARUP Molecular Germline Variant Investigation Process 2024. Collection method: clinical testing. Allele origin: germline.

GeneDx
Classification: Likely benign. Last evaluated: 2020-09-21. Review status: criteria provided, single submitter. Criteria: GeneDx Variant Classification Process June 2021. Collection method: clinical testing. Allele origin: germline. Affected: yes.
Comment: This variant is associated with the following publications: (PMID: 23861362, 24503780, 28045975)

Women's Health and Genetics/Laboratory Corporation of America, LabCorp
Classification: Likely benign. Last evaluated: 2020-03-21. Review status: criteria provided, single submitter. Criteria: LabCorp Variant Classification Summary - May 2015. Collection method: clinical testing. Allele origin: germline.

Illumina Laboratory Services, Illumina
Classification: Benign for Myopathy, myofibrillar, 9, with early respiratory failure. Last evaluated: 2018-01-13. Review status: criteria provided, single submitter. Criteria: ICSL Variant Classification Criteria 13 December 2019. Collection method: clinical testing. Allele origin: germline.
Comment: This variant was observed in the ICSL laboratory as part of a predisposition screen in an ostensibly healthy population. It had not been previously curated by ICSL or reported in the Human Gene Mutation Database (HGMD: prior to June 1st, 2018), and was therefore a candidate for classification through an automated scoring system. Utilizing variant allele frequency, disease prevalence and penetrance estimates, and inheritance mode, an automated score was calculated to assess if this variant is too frequent to cause the disease. Based on the score and internal cut-off values, a variant classified as benign is not then subjected to further curation. The score for this variant resulted in a classification of benign for this disease.

Illumina Laboratory Services, Illumina
Classification: Uncertain significance for Autosomal recessive limb-girdle muscular dystrophy type 2J. Last evaluated: 2018-01-13. Review status: criteria provided, single submitter. Criteria: ICSL Variant Classification Criteria 13 December 2019. Collection method: clinical testing. Allele origin: germline.

Illumina Laboratory Services, Illumina
Classification: Uncertain significance for Early-onset myopathy with fatal cardiomyopathy. Last evaluated: 2018-01-13. Review status: criteria provided, single submitter. Criteria: ICSL Variant Classification Criteria 13 December 2019. Collection method: clinical testing. Allele origin: germline.

Illumina Laboratory Services, Illumina
Classification: Benign for Tibial muscular dystrophy. Last evaluated: 2018-01-13. Review status: criteria provided, single submitter. Criteria: ICSL Variant Classification Criteria 13 December 2019. Collection method: clinical testing. Allele origin: germline.
Comment: the same text as in the submission from Illumina Laboratory Services, Illumina above.

Illumina Laboratory Services, Illumina
Classification: Uncertain significance for Dilated cardiomyopathy 1G. Last evaluated: 2018-01-13. Review status: criteria provided, single submitter. Criteria: ICSL Variant Classification Criteria 13 December 2019. Collection method: clinical testing. Allele origin: germline.

CHEO Genetics Diagnostic Laboratory, Children's Hospital of Eastern Ontario
Classification: Benign for Cardiomyopathy. Last evaluated: 2017-11-01. Review status: criteria provided, single submitter. Criteria: ACMG Guidelines, 2015. Collection method: clinical testing. Allele origin: germline.

Genetic Services Laboratory, University of Chicago
Classification: Likely benign. Last evaluated: 2016-03-04. Review status: criteria provided, single submitter. Criteria: ACMG Guidelines, 2015. Collection method: clinical testing. Allele origin: germline. Affected: no.

Eurofins Ntd Llc (ga)
Classification: Likely benign. Last evaluated: 2015-08-18. Review status: criteria provided, single submitter. Criteria: EGL Classification Definitions 2015. Collection method: clinical testing. Allele origin: germline. Observed: 3 variant alleles, 3 heterozygotes.

Laboratory for Molecular Medicine, Mass General Brigham Personalized Medicine
Classification: Likely benign. Last evaluated: 2015-08-06. Review status: criteria provided, single submitter. Criteria: LMM Criteria. Collection method: clinical testing. Allele origin: germline. Observed: 12 variant alleles.
Comment: p.Val9223Ile in exon 114 of TTN: This variant is not expected to have clinical s ignificance because it has been identified in 0.5% (52/10712) of European chromo somes by the Exome Aggregation Consortium (ExAC; dbSNP rs72650019).

Biesecker Lab/Clinical Genomics Section, National Institutes of Health
Classification: Likely benign. Last evaluated: 2013-06-24. Review status: criteria provided, single submitter. Criteria: Ng et al. (Circ Cardiovasc Genet. 2013). Collection method: research. Allele origin: unknown. Observed: 3 variant alleles. Study: ClinSeq.
Comment: The study set was not selected for affection status in relation to any cancer. Pathogenicity categories were based on literature curation. See Pubmed ID:23861362 for details.

Medical sequencing

Clinical Genetics DNA and cytogenetics Diagnostics Lab, Erasmus MC, Erasmus Medical Center
Classification: Likely benign. Review status: no assertion criteria provided. Collection method: clinical testing. Allele origin: germline. Affected: yes. Study: VKGL Data-share Consensus. Not counted in ClinVar's aggregate classification.

Clinical Genetics, Academic Medical Center
Classification: Benign. Review status: no assertion criteria provided. Collection method: clinical testing. Allele origin: germline. Affected: yes. Study: VKGL Data-share Consensus. Not counted in ClinVar's aggregate classification.

Diagnostic Laboratory, Department of Genetics, University Medical Center Groningen
Classification: Likely benign. Review status: no assertion criteria provided. Collection method: clinical testing. Allele origin: germline. Affected: yes. Study: VKGL Data-share Consensus. Not counted in ClinVar's aggregate classification.

Genome Diagnostics Laboratory, University Medical Center Utrecht
Classification: Likely benign. Review status: no assertion criteria provided. Collection method: clinical testing. Allele origin: germline. Affected: yes. Study: VKGL Data-share Consensus. Not counted in ClinVar's aggregate classification.

Joint Genome Diagnostic Labs from Nijmegen and Maastricht, Radboudumc and MUMC+
Classification: Benign. Review status: no assertion criteria provided. Collection method: clinical testing. Allele origin: germline. Affected: yes. Study: VKGL Data-share Consensus. Not counted in ClinVar's aggregate classification.

Laboratory of Diagnostic Genome Analysis, Leiden University Medical Center (LUMC)
Classification: Likely benign. Review status: no assertion criteria provided. Collection method: clinical testing. Allele origin: germline. Affected: yes. Study: VKGL Data-share Consensus. Not counted in ClinVar's aggregate classification.

Literature cited by the submitters: PubMed 37904629 (cited by Athena Diagnostics); PubMed 28045975 (cited by Athena Diagnostics); PubMed 26516846 (cited by Athena Diagnostics).

NM_001267550.2(TTN):c.31399G>A (p.Val10467Ile)

Gene: TTN (titin; minus strand). Cytogenetic location: 2q31.2.
Variant type: single nucleotide variant.
Coding change: c.31399G>A on transcript NM_001267550.2 (MANE Select); coding-DNA position 31399, G replaced by A.
Protein change: p.Val10467Ile; replaces valine 10467 with isoleucine.
Molecular consequence: missense variant. On other transcripts: intron variant (3).
Genome position (GRCh38, 1-based): chr2:178,694,626, C>T on the plus strand (G>A on the coding strand, the complement: TTN is on the minus strand). VCF-style: chr2-178694626-C-T. GRCh37 (hg19) VCF-style: chr2-179559353-C-T.
Other names: p.V10150I:GTA>ATA; p.Val10150Ile; c.30448G>A, p.Val10150Ile (NM_001256850.1); c.27667G>A, p.Val9223Ile (NM_133378.4); c.13282+43456G>A (NM_003319.4); c.13858+43456G>A (NM_133437.4); c.13657+43456G>A (NM_133432.3); short protein forms V10467I, V9223I, V10150I.
Identifiers: ClinVar variation 46848 (VCV000046848.116), dbSNP rs72650019, ClinGen allele CA139353.